The following is an entry in ClinVar:

ClinVar aggregate classification (germline): Uncertain significance (1 of 4 stars; one submission).

Allele frequency attached by ClinVar (database versions not stated): gnomAD 0.00001; TOPMed 0.00001; 1000 Genomes Project 30x 0.00016; 1000 Genomes Project 0.00020.
gnomAD v4.1: 23 of 1,614,232 alleles (0.0014%); highest among the groups gnomAD compares: East Asian, 0.0022%; no homozygotes.

Submission:

Labcorp Genetics (formerly Invitae), Labcorp
Classification: Uncertain significance. Last evaluated: 2022-03-26. Review status: criteria provided, single submitter. Criteria: Invitae Variant Classification Sherloc (09022015). Collection method: clinical testing. Allele origin: germline.
Comment: This sequence change replaces arginine, which is basic and polar, with tryptophan, which is neutral and slightly polar, at codon 308 of the DTNBP1 protein (p.Arg308Trp). This variant is present in population databases (rs185009228, gnomAD 0.0009%). This variant has not been reported in the literature in individuals affected with DTNBP1-related conditions. Algorithms developed to predict the effect of missense changes on protein structure and function are either unavailable or do not agree on the potential impact of this missense change (SIFT: "Deleterious"; PolyPhen-2: "Possibly Damaging"; Align-GVGD: "Class C0"). In summary, the available evidence is currently insufficient to determine the role of this variant in disease. Therefore, it has been classified as a Variant of Uncertain Significance.

NM_032122.5(DTNBP1):c.922C>T (p.Arg308Trp)

Gene: DTNBP1 (dystrobrevin binding protein 1; minus strand). Cytogenetic location: 6p22.3.
Variant type: single nucleotide variant.
Coding change: c.922C>T on transcript NM_032122.5 (MANE Select); coding-DNA position 922, C replaced by T.
Protein change: p.Arg308Trp; replaces arginine 308 with tryptophan.
Molecular consequence: missense variant.
Genome position (GRCh38, 1-based): chr6:15,523,109, G>A on the plus strand (C>T on the coding strand, the complement: DTNBP1 is on the minus strand). VCF-style: chr6-15523109-G-A. GRCh37 (hg19) VCF-style: chr6-15523340-G-A.
Other names: c.679C>T, p.Arg227Trp (NM_001271667.2, NM_183041.1); c.871C>T, p.Arg291Trp (NM_001271668.2); c.817C>T, p.Arg273Trp (NM_001271669.2); short protein forms R291W, R227W, R273W, R308W.
Identifiers: ClinVar variation 2022927 (VCV002022927.3), dbSNP rs185009228, ClinGen allele CA3643691.
Genomic context (GRCh38, chr6:15,523,109, plus strand): 5'-CCTGAACTTCCTCCTCATCGGACTGAACAACGGGGGACTCCCCACCCTCACTGATGTCCC[G>A]GGTGGCCGAGTCGGTGCAGGTGGAGGAAGAAGAAGGTGGCTTGGCTCTTAATTCTGAGGG-3'
Protein context (NP_115498.2, residues 298-318): SSSTCTDSAT[Arg308Trp]DISEGGESPV